The following is an entry in ClinVar:

ClinVar aggregate classification (germline): Uncertain significance (1 of 4 stars; one submission).

Conditions:
Dilated cardiomyopathy 1II (CMD1II). Identifiers: Orphanet 154, MedGen C3554649, MONDO:0014073, OMIM 615184.

Submission:

Labcorp Genetics (formerly Invitae), Labcorp
Classification: Uncertain significance for Dilated cardiomyopathy 1II. Last evaluated: 2019-09-22. Review status: criteria provided, single submitter. Criteria: Invitae Variant Classification Sherloc (09022015). Collection method: clinical testing. Allele origin: germline.
Comment: In summary, the available evidence is currently insufficient to determine the role of this variant in disease. Therefore, it has been classified as a Variant of Uncertain Significance. Algorithms developed to predict the effect of missense changes on protein structure and function are either unavailable or do not agree on the potential impact of this missense change (SIFT: "Deleterious"; PolyPhen-2: "Possibly Damaging"; Align-GVGD: "Class C0"). This variant has not been reported in the literature in individuals with CRYAB-related conditions. This variant is not present in population databases (ExAC no frequency). This sequence change replaces lysine with threonine at codon 121 of the CRYAB protein (p.Lys121Thr). The lysine residue is highly conserved and there is a moderate physicochemical difference between lysine and threonine.

NM_001289808.2(CRYAB):c.362A>C (p.Lys121Thr)

Gene: CRYAB (crystallin alpha B; minus strand). Cytogenetic location: 11q23.1.
Variant type: single nucleotide variant.
Coding change: c.362A>C on transcript NM_001289808.2 (MANE Select); coding-DNA position 362, A replaced by C.
Protein change: p.Lys121Thr; replaces lysine 121 with threonine.
Molecular consequence: missense variant.
Genome position (GRCh38, 1-based): chr11:111,908,930, T>G on the plus strand (A>C on the coding strand, the complement: CRYAB is on the minus strand). VCF-style: chr11-111908930-T-G. GRCh37 (hg19) VCF-style: chr11-111779654-T-G.
Other names: c.362A>C, p.Lys121Thr (NM_001289807.1, NM_001368245.1, NM_001885.3); c.161A>C, p.Lys54Thr (NM_001330379.1, NM_001368246.1); short protein forms K121T, K54T.
Identifiers: ClinVar variation 956884 (VCV000956884.9), dbSNP rs781915800, ClinGen allele CA382596583.